The following is an entry in ClinVar:

NM_004380.3(CREBBP):c.925A>G (p.Thr309Ala)

Gene: CREBBP (CREB binding lysine acetyltransferase; minus strand). Cytogenetic location: 16p13.3.
Variant type: single nucleotide variant.
Coding change: c.925A>G on transcript NM_004380.3 (MANE Select); coding-DNA position 925, A replaced by G.
Protein change: p.Thr309Ala; replaces threonine 309 with alanine.
Molecular consequence: missense variant.
Genome position (GRCh38, 1-based): chr16:3,810,653, T>C on the plus strand (A>G on the coding strand, the complement: CREBBP is on the minus strand). VCF-style: chr16-3810653-T-C. GRCh37 (hg19) VCF-style: chr16-3860654-T-C.
Other names: c.925A>G, p.Thr309Ala (NM_001079846.1); short protein forms T309A.
Identifiers: ClinVar variation 3664426 (VCV003664426.2).
Genomic context (GRCh38, chr16:3,810,653, plus strand): 5'-GGTAACTTACCATATTTGGCACGTTGGTGACTGAAGTATTCTTGATATCTGTAGGGAAGG[T>C]GGGCAAACTGTTGACCATGCTCTGTTTGCTGGCTAACTGGGGGTTCACTCCAGTGGCTCC-3'
Protein context (NP_004371.2, residues 299-319): SKQSMVNSLP[Thr309Ala]FPTDIKNTSV

ClinVar aggregate classification (germline): Uncertain significance (1 of 4 stars; one submission).

Conditions:
Rubinstein-Taybi syndrome (RSTS). Identifiers: Orphanet 783, MedGen C0035934, MONDO:0019188.

Submission:

Labcorp Genetics (formerly Invitae), Labcorp
Classification: Uncertain significance for Rubinstein-Taybi syndrome. Last evaluated: 2024-09-12. Review status: criteria provided, single submitter. Criteria: Invitae Variant Classification Sherloc (09022015). Collection method: clinical testing. Allele origin: germline.
Comment: This sequence change replaces threonine, which is neutral and polar, with alanine, which is neutral and non-polar, at codon 309 of the CREBBP protein (p.Thr309Ala). This variant is not present in population databases (gnomAD no frequency). This variant has not been reported in the literature in individuals affected with CREBBP-related conditions. Invitae Evidence Modeling of protein sequence and biophysical properties (such as structural, functional, and spatial information, amino acid conservation, physicochemical variation, residue mobility, and thermodynamic stability) indicates that this missense variant is not expected to disrupt CREBBP protein function with a negative predictive value of 95%. In summary, the available evidence is currently insufficient to determine the role of this variant in disease. Therefore, it has been classified as a Variant of Uncertain Significance.